The following is an entry in ClinVar:

ClinVar aggregate classification (germline): Likely pathogenic (1 of 4 stars; one submission).

Submission:

CeGaT Center for Human Genetics Tuebingen
Classification: Likely pathogenic. Last evaluated: 2023-11-01. Review status: criteria provided, single submitter. Criteria: CeGaT Center For Human Genetics Tuebingen Variant Classification Criteria Version 2. Collection method: clinical testing. Allele origin: germline. Affected: yes. Observed: 1 variant allele.
Comment: ANKRD11: PVS1:Strong, PM2, PS2:Moderate

NM_013275.6(ANKRD11):c.7868_7872del (p.Glu2623fs)

Gene: ANKRD11 (ankyrin repeat domain 11; minus strand). Cytogenetic location: 16q24.3.
Variant type: Deletion.
Coding change: c.7868_7872del on transcript NM_013275.6 (MANE Select); coding-DNA positions 7868 to 7872, 5 bases deleted (AGTGG; older notation c.7868_7872delAGTGG).
Protein change: p.Glu2623fs; shifts the reading frame from glutamic acid 2623.
Molecular consequence: frameshift variant.
Genome position (GRCh38, 1-based): chr16:89,268,598-89,268,602, CCACT deleted on the plus strand (AGTGG on the coding strand, the reverse complement: ANKRD11 is on the minus strand); deleting any 5 consecutive bases within chr16:89,268,598-89,268,605 gives the same sequence; the c. name uses the placement nearest the transcript's 3' end. VCF-style (leftmost placement, unchanged base first): chr16-89268597-GCCACT-G. GRCh37 (hg19) VCF-style: chr16-89335005-GCCACT-G.
Other names: c.7868_7872del, p.Glu2623fs (NM_001256182.2, NM_001256183.2); short protein forms E2623fs.
Identifiers: ClinVar variation 2672665 (VCV002672665.23), dbSNP rs2544116954, ClinGen allele CA2695201157.